The following is an entry in ClinVar:

ClinVar aggregate classification (germline): Uncertain significance. Review status: criteria provided, multiple submitters, no conflicts (2 of 4 stars). 4 submissions from 4 submitters: Uncertain significance (4). Last evaluated 2024-07-14.

Conditions:
Inborn genetic diseases. Identifiers: MedGen C0950123, MeSH D030342.
Leigh syndrome (NULS). Also called: Subacute necrotizing encephalopathy; Necrotizing encephalopathy infantile subacute of Leigh; Leigh's syndrome; Leigh Disease; LEIGH SYNDROME, NUCLEAR; Leigh's necrotizing encephalopathy. Identifiers: Orphanet 506, MedGen C2931891, MONDO:0009723, OMIM 256000.

Allele frequency attached by ClinVar (database versions not stated): TOPMed 0.00007; gnomAD 0.00009; 1000 Genomes Project 30x 0.00016; 1000 Genomes Project 0.00020.
gnomAD v4.1: 29 of 1,412,654 alleles (0.0021%); highest among the groups gnomAD compares: African/African-American, 0.03%; no homozygotes.

Submissions (4):

Ambry Genetics
Classification: Uncertain significance for Inborn genetic diseases. Last evaluated: 2024-07-14. Review status: criteria provided, single submitter. Criteria: Ambry Variant Classification Scheme 2023. Collection method: clinical testing. Allele origin: germline.

GeneDx
Classification: Uncertain significance. Last evaluated: 2023-04-26. Review status: criteria provided, single submitter. Criteria: GeneDx Variant Classification Process June 2021. Collection method: clinical testing. Allele origin: germline. Affected: yes.
Comment: See Variant Classification Assertion Criteria.

Labcorp Genetics (formerly Invitae), Labcorp
Classification: Uncertain significance for Leigh syndrome. Last evaluated: 2022-08-19. Review status: criteria provided, single submitter. Criteria: Invitae Variant Classification Sherloc (09022015). Collection method: clinical testing. Allele origin: germline.
Comment: This sequence change replaces alanine, which is neutral and non-polar, with valine, which is neutral and non-polar, at codon 6 of the SURF1 protein (p.Ala6Val). The frequency data for this variant in the population databases is considered unreliable, as metrics indicate poor data quality at this position in the gnomAD database. This variant has not been reported in the literature in individuals affected with SURF1-related conditions. ClinVar contains an entry for this variant (Variation ID: 215228). Algorithms developed to predict the effect of missense changes on protein structure and function are either unavailable or do not agree on the potential impact of this missense change (SIFT: "Tolerated"; PolyPhen-2: "Not Available"; Align-GVGD: "Class C0"). In summary, the available evidence is currently insufficient to determine the role of this variant in disease. Therefore, it has been classified as a Variant of Uncertain Significance.

Women's Health and Genetics/Laboratory Corporation of America, LabCorp
Classification: Uncertain significance. Last evaluated: 2018-01-23. Review status: criteria provided, single submitter. Criteria: LabCorp Variant Classification Summary - May 2015. Collection method: clinical testing. Allele origin: germline.
Comment: Variant summary: The SURF1 c.17C>T (p.Ala6Val) variant involves the alteration of a non-conserved nucleotide and 2/3 in silico tools predict a damaging outcome for this variant (SNPsandGO and PolyPhen not captured due to low reliability index and query not functioning, respectively). This variant was found in 4/30530 control chromosomes (gnomAD), predominantly observed in the African subpopulation at a frequency of 0.000463 (4/8636). This frequency does not exceed the estimated maximal expected allele frequency of a pathogenic SURF1 variant (0.0017678). A clinical diagnostic laboratory classified this variant as likely benign. The variant of interest has not, to our knowledge, been reported in affected individuals via publications; nor evaluated for functional impact by in vivo/vitro studies. Because of the absence of clinical information and the lack of functional studies, the variant is classified as a "Variant of Uncertain Significance (VUS)," until additional information becomes available.

NM_003172.4(SURF1):c.17C>T (p.Ala6Val)

Gene: SURF1 (SURF1 cytochrome c oxidase assembly factor; minus strand). Cytogenetic location: 9q34.2.
Variant type: single nucleotide variant.
Coding change: c.17C>T on transcript NM_003172.4 (MANE Select); coding-DNA position 17, C replaced by T.
Protein change: p.Ala6Val; replaces alanine 6 with valine.
Molecular consequence: missense variant. On other transcripts: 5 prime UTR variant (1).
Genome position (GRCh38, 1-based): chr9:133,356,437, G>A on the plus strand (C>T on the coding strand, the complement: SURF1 is on the minus strand). VCF-style: chr9-133356437-G-A. GRCh37 (hg19) VCF-style: chr9-136223313-G-A.
Other names: p.A6V:GCG>GTG; c.-259C>T (NM_001280787.1); short protein forms A6V.
Identifiers: ClinVar variation 215228 (VCV000215228.10), dbSNP rs587727919, ClinGen allele CA321173.